The following is an entry in ClinVar:

NM_001039141.3(TRIOBP):c.3214dup (p.Arg1072fs)

Gene: TRIOBP (TRIO and F-actin binding protein; plus strand). Cytogenetic location: 22q13.1.
Variant type: Duplication.
Coding change: c.3214dup on transcript NM_001039141.3 (MANE Select); coding-DNA position 3214, one base duplicated (C; older notation c.3214dupC).
Protein change: p.Arg1072fs; shifts the reading frame from arginine 1072.
Molecular consequence: frameshift variant.
Genome position (GRCh38, 1-based): chr22:37,725,770, C duplicated; the last of 6 consecutive C bases (chr22:37,725,765-37,725,770); duplicating any one gives the same sequence. VCF-style (leftmost placement, unchanged base first): chr22-37725764-G-GC. GRCh37 (hg19) VCF-style: chr22-38121771-G-GC.
Other names: short protein forms R1072fs.
Identifiers: ClinVar variation 1174531 (VCV001174531.5), dbSNP rs1485334519, ClinGen allele CA639394642.

ClinVar aggregate classification (germline): Pathogenic. Review status: criteria provided, multiple submitters, no conflicts (2 of 4 stars). 2 submissions from 2 submitters: Pathogenic (2). Last evaluated 2023-09-22.

Conditions:
Autosomal recessive nonsyndromic hearing loss 28. Identifiers: Orphanet 90636, MedGen C1853276, MONDO:0012355, OMIM 609823.

Submissions (2):

Labcorp Genetics (formerly Invitae), Labcorp
Classification: Pathogenic. Last evaluated: 2023-09-22. Review status: criteria provided, single submitter. Criteria: Invitae Variant Classification Sherloc (09022015). Collection method: clinical testing. Allele origin: germline.
Comment: For these reasons, this variant has been classified as Pathogenic. ClinVar contains an entry for this variant (Variation ID: 1174531). This premature translational stop signal has been observed in individual(s) with deafness (PMID: 34440452). This variant is not present in population databases (gnomAD no frequency). This sequence change creates a premature translational stop signal (p.Arg1072Profs*12) in the TRIOBP gene. It is expected to result in an absent or disrupted protein product. Loss-of-function variants in TRIOBP are known to be pathogenic (PMID: 16385457, 16385458, 20510926).

Center of Genomic medicine, Geneva, University Hospital of Geneva
Classification: Pathogenic for Autosomal recessive nonsyndromic hearing loss 28. Last evaluated: 2020-09-03. Review status: criteria provided, single submitter. Criteria: ACMG Guidelines, 2015. Collection method: clinical testing. Allele origin: germline. Affected: yes. Observed: 1 variant allele.

Literature cited by the submitters: PubMed 34440452 (cited by Labcorp Genetics (formerly Invitae), Labcorp); PubMed 16385457 (cited by Labcorp Genetics (formerly Invitae), Labcorp); PubMed 16385458 (cited by Labcorp Genetics (formerly Invitae), Labcorp); PubMed 20510926 (cited by Labcorp Genetics (formerly Invitae), Labcorp).